The following is an entry in ClinVar:

ClinVar aggregate classification (germline): Uncertain significance. Review status: criteria provided, multiple submitters, no conflicts (2 of 4 stars). 3 submissions from 3 submitters: Uncertain significance (3). Last evaluated 2025-11-24.

Conditions:
Hereditary cancer-predisposing syndrome. Also called: Tumor predisposition; Neoplastic Syndromes, Hereditary; Hereditary Cancer Syndrome; Hereditary neoplastic syndrome. Identifiers: Orphanet 140162, MedGen C0027672, MeSH D009386, MONDO:0015356.
Familial cancer of breast. Also called: Hereditary breast cancer; BREAST CANCER, FAMILIAL; hereditary breast carcinoma. Identifiers: Orphanet 227535, MedGen C0346153, MONDO:0016419, OMIM 114480. Disease mechanism: loss of function.

Allele frequency attached by ClinVar (database versions not stated): gnomAD exomes below 0.00001.
gnomAD v4.1: 1 of 1,614,214 alleles (0.000062%); highest among the groups gnomAD compares: Non-Finnish European, 0.000085%; no homozygotes.

Submissions (3):

Labcorp Genetics (formerly Invitae), Labcorp
Classification: Uncertain significance for Familial cancer of breast. Last evaluated: 2025-11-24. Review status: criteria provided, single submitter. Criteria: Invitae Variant Classification Sherloc (09022015). Collection method: clinical testing. Allele origin: germline.
Comment: This sequence change replaces glycine, which is neutral and non-polar, with serine, which is neutral and polar, at codon 793 of the PALB2 protein (p.Gly793Ser). This variant is not present in population databases (gnomAD no frequency). This variant has not been reported in the literature in individuals affected with PALB2-related conditions. ClinVar contains an entry for this variant (Variation ID: 241543). Invitae Evidence Modeling of protein sequence and biophysical properties (such as structural, functional, and spatial information, amino acid conservation, physicochemical variation, residue mobility, and thermodynamic stability) indicates that this missense variant is expected to disrupt PALB2 protein function with a positive predictive value of 80%. In summary, the available evidence is currently insufficient to determine the role of this variant in disease. Therefore, it has been classified as a Variant of Uncertain Significance.

Ambry Genetics
Classification: Uncertain significance for Hereditary cancer-predisposing syndrome. Last evaluated: 2022-06-08. Review status: criteria provided, single submitter. Criteria: Ambry Variant Classification Scheme 2023. Collection method: clinical testing. Allele origin: germline.
Comment: The p.G793S variant (also known as c.2377G>A), located in coding exon 5 of the PALB2 gene, results from a G to A substitution at nucleotide position 2377. The glycine at codon 793 is replaced by serine, an amino acid with similar properties. This amino acid position is not well conserved in available vertebrate species. In addition, this alteration is predicted to be tolerated by in silico analysis. Since supporting evidence is limited at this time, the clinical significance of this alteration remains unclear.

Mendelics
Classification: Uncertain significance. Last evaluated: 2022-05-04. Review status: criteria provided, single submitter. Criteria: Mendelics Assertion Criteria 2019. Collection method: clinical testing. Allele origin: germline.

NM_024675.4(PALB2):c.2377G>A (p.Gly793Ser)

Gene: PALB2 (partner and localizer of BRCA2; minus strand). Cytogenetic location: 16p12.2.
Variant type: single nucleotide variant.
Coding change: c.2377G>A on transcript NM_024675.4 (MANE Select); coding-DNA position 2377, G replaced by A.
Protein change: p.Gly793Ser; replaces glycine 793 with serine.
Molecular consequence: missense variant.
Genome position (GRCh38, 1-based): chr16:23,629,777, C>T on the plus strand (G>A on the coding strand, the complement: PALB2 is on the minus strand). VCF-style: chr16-23629777-C-T. GRCh37 (hg19) VCF-style: chr16-23641098-C-T.
Other names: short protein forms G793S.
Identifiers: ClinVar variation 241543 (VCV000241543.16), dbSNP rs878855109, ClinGen allele CA10583363.
Genomic context (GRCh38, chr16:23,629,777, plus strand): 5'-TGGGTGGAGGTGTTCCTGGCGGGACAGAGTCACAGTCACAGGTAGGTTGTCCTTGCCTGC[C>T]TGACACTTGCAGGGTGGTATGTGGTTTTGCTGGGCTGCCTGAACTGTCGAATTGTTTAGT-3'
Protein context (NP_078951.2, residues 783-803): AKPHTTLQVS[Gly793Ser]RQGQPTCDCD